The following is an entry in ClinVar:

NM_000079.4(CHRNA1):c.587G>A (p.Trp196Ter)

Gene: CHRNA1 (cholinergic receptor nicotinic alpha 1 subunit; minus strand). Cytogenetic location: 2q31.1.
Variant type: single nucleotide variant.
Coding change: c.587G>A on transcript NM_000079.4 (MANE Select); coding-DNA position 587, G replaced by A.
Protein change: p.Trp196Ter; replaces tryptophan 196 with a stop codon.
Molecular consequence: nonsense.
Genome position (GRCh38, 1-based): chr2:174,753,694, C>T on the plus strand (G>A on the coding strand, the complement: CHRNA1 is on the minus strand). VCF-style: chr2-174753694-C-T. GRCh37 (hg19) VCF-style: chr2-175618422-C-T.
Other names: c.662G>A, p.Trp221Ter (NM_001039523.3); short protein forms W196*, W221*.
Identifiers: ClinVar variation 4773557 (VCV004773557.1).

ClinVar aggregate classification (germline): Pathogenic (1 of 4 stars; one submission).

Conditions:
Lethal multiple pterygium syndrome (LMPS). Identifiers: Orphanet 33108, MedGen C1854678, MONDO:0009668, OMIM 253290.

Submission:

Labcorp Genetics (formerly Invitae), Labcorp
Classification: Pathogenic for Lethal multiple pterygium syndrome. Last evaluated: 2025-05-30. Review status: criteria provided, single submitter. Criteria: Invitae Variant Classification Sherloc (09022015). Collection method: clinical testing. Allele origin: germline.
Comment: This sequence change creates a premature translational stop signal (p.Trp196*) in the CHRNA1 gene. It is expected to result in an absent or disrupted protein product. Loss-of-function variants in CHRNA1 are known to be pathogenic (PMID: 14719537, 15907919, 18252226). This variant is not present in population databases (gnomAD no frequency). This variant has not been reported in the literature in individuals affected with CHRNA1-related conditions. For these reasons, this variant has been classified as Pathogenic.

Literature cited by the submitters: PubMed 14719537; PubMed 15907919; PubMed 18252226.